The following is an entry in ClinVar:

ClinVar aggregate classification (germline): Uncertain significance (1 of 4 stars; one submission).

Conditions:
Cardiovascular phenotype. Identifiers: MedGen CN230736.

Submission:

Ambry Genetics
Classification: Uncertain significance for Cardiovascular phenotype. Last evaluated: 2020-09-16. Review status: criteria provided, single submitter. Criteria: Ambry Variant Classification Scheme 2023. Collection method: clinical testing. Allele origin: germline.
Comment: The p.N4740S variant (also known as c.14219A>G), located in coding exon 53 of the TTN gene, results from an A to G substitution at nucleotide position 14219. The asparagine at codon 4740 is replaced by serine, an amino acid with highly similar properties. This amino acid position is well conserved in available vertebrate species; however, serine is the reference amino acid in other vertebrate species. In addition, this alteration is predicted to be tolerated by in silico analysis. Since supporting evidence is limited at this time, the clinical significance of this alteration remains unclear.

NM_001267550.2(TTN):c.41414A>G (p.Asn13805Ser)

Gene: TTN (titin; minus strand). Cytogenetic location: 2q31.2.
Variant type: single nucleotide variant.
Coding change: c.41414A>G on transcript NM_001267550.2 (MANE Select); coding-DNA position 41414, A replaced by G.
Protein change: p.Asn13805Ser; replaces asparagine 13805 with serine.
Molecular consequence: missense variant.
Genome position (GRCh38, 1-based): chr2:178,636,157, T>C on the plus strand (A>G on the coding strand, the complement: TTN is on the minus strand). VCF-style: chr2-178636157-T-C. GRCh37 (hg19) VCF-style: chr2-179500884-T-C.
Other names: c.36491A>G, p.Asn12164Ser (NM_001256850.1); c.14219A>G, p.Asn4740Ser (NM_003319.4); c.33710A>G, p.Asn11237Ser (NM_133378.4); c.14594A>G, p.Asn4865Ser (NM_133432.3); c.14795A>G, p.Asn4932Ser (NM_133437.4); short protein forms N13805S, N4740S, N4865S, N11237S, N4932S, N12164S.
Identifiers: ClinVar variation 518755 (VCV000518755.5), dbSNP rs1553747056, ClinGen allele CA349658843.
Genomic context (GRCh38, chr2:178,636,157, plus strand): 5'-CGGCCAGGTTTCTCCACCACAATCTTGCCATCCTTCCTCCAGACCACGTCACGCTCTTTG[T>C]TTAACTCGCAGCTCAAGTACAATGGCTGTCCTTTGACCACTGTGACTTCCTCTTCCAGTG-3'
Protein context (NP_001254479.2, residues 13795-13815): GQPLYLSCEL[Asn13805Ser]KERDVVWRKD